The following is an entry in ClinVar:

ClinVar aggregate classification (germline): Uncertain significance (1 of 4 stars; one submission).

Submission:

Women's Health and Genetics/Laboratory Corporation of America, LabCorp
Classification: Uncertain significance. Last evaluated: 2026-02-09. Review status: criteria provided, single submitter. Criteria: LabCorp Variant Classification Summary - May 2015. Collection method: clinical testing. Allele origin: germline.
Comment: Variant summary: MED17 c.635C>T (p.Ala212Val) results in a non-conservative amino acid change in the encoded protein sequence. Algorithms developed to predict the effect of missense changes on protein structure and function are either unavailable or do not agree on the potential impact of this missense change. The variant was absent in 250320 control chromosomes. The available data on variant occurrences in the general population are insufficient to allow any conclusion about variant significance. c.635C>T has been observed in individual(s) affected with seizures and infantile spasms (example, Chuan_2022) without strong evidence for causality. These report(s) do not provide unequivocal conclusions about association of the variant with Microcephaly, Postnatal Progressive, with Seizures and Brain Atrophy. To our knowledge, no experimental evidence demonstrating an impact on protein function has been reported. The following publication has been ascertained in the context of this evaluation (PMID: 35571021). No submitters have cited clinical-significance assessments for this variant to ClinVar. Based on the evidence outlined above, the variant was classified as uncertain significance.

Literature cited by the submitters: PubMed 35571021.

NM_004268.5(MED17):c.635C>T (p.Ala212Val)

Gene: MED17 (mediator complex subunit 17; plus strand). Cytogenetic location: 11q21.
Variant type: single nucleotide variant.
Coding change: c.635C>T on transcript NM_004268.5 (MANE Select); coding-DNA position 635, C replaced by T.
Protein change: p.Ala212Val; replaces alanine 212 with valine.
Molecular consequence: missense variant.
Genome position (GRCh38, 1-based): chr11:93,790,791, C>T. VCF-style: chr11-93790791-C-T. GRCh37 (hg19) VCF-style: chr11-93523957-C-T.
Other names: short protein forms A212V.
Identifiers: ClinVar variation 4847957 (VCV004847957.1).